The following is an entry in ClinVar:

ClinVar aggregate classification (germline): Uncertain significance (1 of 4 stars; one submission).

Conditions:
Renal cell carcinoma. Identifiers: Orphanet 217071, MedGen C0007134, MeSH D002292, MONDO:0005086, HP:0005584.

Submission:

Labcorp Genetics (formerly Invitae), Labcorp
Classification: Uncertain significance for Renal cell carcinoma. Last evaluated: 2022-07-13. Review status: criteria provided, single submitter. Criteria: Invitae Variant Classification Sherloc (09022015). Collection method: clinical testing. Allele origin: germline.
Comment: This sequence change replaces valine, which is neutral and non-polar, with glutamic acid, which is acidic and polar, at codon 1127 of the MET protein (p.Val1127Glu). This variant is not present in population databases (gnomAD no frequency). This variant has not been reported in the literature in individuals affected with MET-related conditions. Algorithms developed to predict the effect of missense changes on protein structure and function (SIFT, PolyPhen-2, Align-GVGD) all suggest that this variant is likely to be disruptive. In summary, the available evidence is currently insufficient to determine the role of this variant in disease. Therefore, it has been classified as a Variant of Uncertain Significance.

NM_000245.4(MET):c.3326T>A (p.Val1109Glu)

Gene: MET (MET proto-oncogene, receptor tyrosine kinase; plus strand). Cytogenetic location: 7q31.2.
Variant type: single nucleotide variant.
Coding change: c.3326T>A on transcript NM_000245.4 (MANE Select); coding-DNA position 3326, T replaced by A.
Protein change: p.Val1109Glu; replaces valine 1109 with glutamic acid.
Molecular consequence: missense variant.
Genome position (GRCh38, 1-based): chr7:116,777,455, T>A. VCF-style: chr7-116777455-T-A. GRCh37 (hg19) VCF-style: chr7-116417509-T-A.
Other names: c.3380T>A, p.Val1127Glu (NM_001127500.3); c.2036T>A, p.Val679Glu (NM_001324402.2); short protein forms V1109E, V1127E, V679E.
Identifiers: ClinVar variation 2417527 (VCV002417527.6), dbSNP rs2117040342, ClinGen allele CA368989837.
Genomic context (GRCh38, chr7:116,777,455, plus strand): 5'-TTGGTTGTGTATATCATGGGACTTTGTTGGACAATGATGGCAAGAAAATTCACTGTGCTG[T>A]GAAATCCTTGAACAGTAAGTGGCATTTTATTTAACCATGGAGTATACTTTTGTGGTTTGC-3'
Protein context (NP_000236.2, residues 1099-1119): DNDGKKIHCA[Val1109Glu]KSLNRITDIG